The following is an entry in ClinVar:

ClinVar aggregate classification (germline): Uncertain significance (1 of 4 stars; one submission).

Conditions:
Myopathy, centronuclear, 2 (CNM2). Also called: MYOTUBULAR MYOPATHY, AUTOSOMAL RECESSIVE. Identifiers: Orphanet 169186, MedGen CN031787, MONDO:0009709, OMIM 255200.

Submission:

Labcorp Genetics (formerly Invitae), Labcorp
Classification: Uncertain significance for Autosomal recessive centronuclear myopathy. Last evaluated: 2019-04-10. Review status: criteria provided, single submitter. Criteria: Invitae Variant Classification Sherloc (09022015). Collection method: clinical testing. Allele origin: germline.
Comment: This variant results in a copy number gain of the genomic region encompassing exon 1 of the BIN1 gene. The 5' end of this event is unknown as it extends beyond the assayed region for this gene and therefore may encompass additional genes. The 3' boundary is likely confined to intron 1 of the BIN1 gene, which includes the initiator codon. As the precise location of this event is unknown, it may be in tandem or it may be located elsewhere in the genome. This variant has not been reported in the literature in individuals with BIN1-related conditions. Experimental studies are not available for this variant, and the functional significance of a copy number gain of this exon is currently unknown. In summary, the available evidence is currently insufficient to determine the role of this variant in disease. Therefore, it has been classified as a Variant of Uncertain Significance.

NC_000002.12:g.(?_127106850)_(127106953_?)dup

Gene: BIN1 (bridging integrator 1; minus strand). Cytogenetic location: 2q14.3.
Variant type: Duplication.
Identifiers: ClinVar variation 833463 (VCV000833463.1).